The following is an entry in ClinVar:

ClinVar aggregate classification (germline): Uncertain significance (1 of 4 stars; one submission).

Conditions:
Cardiovascular phenotype. Identifiers: MedGen CN230736.

gnomAD v4.1: 4 of 1,613,766 alleles (0.00025%); highest among the groups gnomAD compares: Non-Finnish European, 0.00025%; no homozygotes.

Submission:

Ambry Genetics
Classification: Uncertain significance for Cardiovascular phenotype. Last evaluated: 2026-05-28. Review status: criteria provided, single submitter. Criteria: Ambry Variant Classification Scheme 2023. Collection method: clinical testing. Allele origin: germline.
Comment: The p.M258T variant (also known as c.773T>C), located in coding exon 6 of the LCAT gene, results from a T to C substitution at nucleotide position 773. The methionine at codon 258 is replaced by threonine, an amino acid with similar properties. This amino acid position is conserved. In addition, the in silico prediction for this alteration is inconclusive. Based on the available evidence, the clinical significance of this variant remains unclear.

NM_000229.2(LCAT):c.773T>C (p.Met258Thr)

Gene: LCAT (lecithin-cholesterol acyltransferase; minus strand). Cytogenetic location: 16q22.1.
Variant type: single nucleotide variant.
Coding change: c.773T>C on transcript NM_000229.2 (MANE Select); coding-DNA position 773, T replaced by C.
Protein change: p.Met258Thr; replaces methionine 258 with threonine.
Molecular consequence: missense variant.
Genome position (GRCh38, 1-based): chr16:67,940,454, A>G on the plus strand (T>C on the coding strand, the complement: LCAT is on the minus strand). VCF-style: chr16-67940454-A-G. GRCh37 (hg19) VCF-style: chr16-67974357-A-G.
Other names: short protein forms M258T.
Identifiers: ClinVar variation 4859146 (VCV004859146.1).
Genomic context (GRCh38, chr16:67,940,454, plus strand): 5'-GGAAACATCCAGGGGGAGGTGGTGGTTATGCGCTGCTCCTCTTTCAGCTTGATGCTGGAC[A>G]TGATGGGGATGCCCTGGTTGTCACCTGTGGATATGGAGCAAGGTGGGACAGGGAGCCAGG-3'
Protein context (NP_000220.1, residues 248-268): ASGDNQGIPI[Met258Thr]SSIKLKEEQR